The following is an entry in ClinVar:

NM_001126121.2(SLC25A19):c.643+19G>A

Gene: SLC25A19 (solute carrier family 25 member 19; minus strand). Cytogenetic location: 17q25.1.
Variant type: single nucleotide variant.
Coding change: c.643+19G>A on transcript NM_001126121.2 (MANE Select); 19 bases into the intron after coding-DNA position 643, G replaced by A.
Molecular consequence: intron variant.
Genome position (GRCh38, 1-based): chr17:75,278,133, C>T on the plus strand (G>A on the coding strand, the complement: SLC25A19 is on the minus strand). VCF-style: chr17-75278133-C-T. GRCh37 (hg19) VCF-style: chr17-73274214-C-T.
Other names: c.643+19G>A (NM_001126122.2, NM_021734.5).
Identifiers: ClinVar variation 512486 (VCV000512486.9), dbSNP rs141604730, ClinGen allele CA8760930.

ClinVar aggregate classification (germline): Benign/Likely benign. Review status: criteria provided, multiple submitters, no conflicts (2 of 4 stars). 2 submissions from 2 submitters: Benign (1); Likely benign (1). Last evaluated 2025-10-13.

Allele frequency attached by ClinVar (database versions not stated): ExAC 0.00043; gnomAD exomes 0.00058 and 0.00010; 1000 Genomes Project 30x 0.00203; 1000 Genomes Project 0.00240; ESP Exome Variant Server 0.00008; gnomAD 0.00024 and 0.00031; TOPMed 0.00030.
gnomAD v4.1: 202 of 1,612,142 alleles (0.013%); highest among the groups gnomAD compares: East Asian, 0.38%; 2 homozygotes.

Submissions (2):

Labcorp Genetics (formerly Invitae), Labcorp
Classification: Benign. Last evaluated: 2025-10-13. Review status: criteria provided, single submitter. Criteria: Invitae Variant Classification Sherloc (09022015). Collection method: clinical testing. Allele origin: germline.

GeneDx
Classification: Likely benign. Last evaluated: 2017-03-02. Review status: criteria provided, single submitter. Criteria: GeneDx Variant Classification (06012015). Collection method: clinical testing. Allele origin: germline. Affected: yes.
Comment: This variant is considered likely benign or benign based on one or more of the following criteria: it is a conservative change, it occurs at a poorly conserved position in the protein, it is predicted to be benign by multiple in silico algorithms, and/or has population frequency not consistent with disease.